The following is an entry in ClinVar:

NM_015175.3(NBEAL2):c.2537T>C (p.Leu846Pro)

Gene: NBEAL2 (neurobeachin like 2; plus strand). Cytogenetic location: 3p21.31.
Variant type: single nucleotide variant.
Coding change: c.2537T>C on transcript NM_015175.3 (MANE Select); coding-DNA position 2537, T replaced by C.
Protein change: p.Leu846Pro; replaces leucine 846 with proline.
Molecular consequence: missense variant.
Genome position (GRCh38, 1-based): chr3:46,996,814, T>C. VCF-style: chr3-46996814-T-C. GRCh37 (hg19) VCF-style: chr3-47038304-T-C.
Other names: c.2435T>C, p.Leu812Pro (NM_001365116.2); short protein forms L846P, L812P.
Identifiers: ClinVar variation 627286 (VCV000627286.2), dbSNP rs1575602690, ClinGen allele CA352510382.

ClinVar aggregate classification (germline): Uncertain significance (1 of 4 stars; one submission).

Conditions:
Gray platelet syndrome (GPS). Also called: BLEEDING DISORDER, PLATELET-TYPE, 4. Identifiers: Orphanet 721, MedGen C0272302, MONDO:0007686, OMIM 139090.

Submission:

NIHR Bioresource Rare Diseases, University of Cambridge
Classification: Uncertain significance for Gray platelet syndrome. Last evaluated: 2020-03-01. Review status: criteria provided, single submitter. Criteria: ACMG Guidelines, 2015. Collection method: research. Allele origin: unknown. Inheritance: Autosomal recessive inheritance. Affected: yes.
Comment: ACMG criteria: PM2, PP3, PP4

Literature cited by the submitters: PubMed 32693407; PubMed 31064749.